The following is an entry in ClinVar:

NM_020366.4(RPGRIP1):c.1578T>C (p.Leu526=)

Gene: RPGRIP1 (RPGR interacting protein 1; plus strand). Cytogenetic location: 14q11.2.
Variant type: single nucleotide variant.
Coding change: c.1578T>C on transcript NM_020366.4 (MANE Select); coding-DNA position 1578, T replaced by C.
Protein change: p.Leu526=; no amino-acid change (leucine 526 retained).
Molecular consequence: synonymous variant.
Genome position (GRCh38, 1-based): chr14:21,321,369, T>C. VCF-style: chr14-21321369-T-C. GRCh37 (hg19) VCF-style: chr14-21789528-T-C.
Other names: c.504T>C, p.Leu168= (NM_001377523.1, NM_001377948.1, NM_001377949.1 and 1 more transcripts); c.6T>C, p.Leu2= (NM_001377951.1); c.1578T>C (NM_020366.3).
Identifiers: ClinVar variation 1661860 (VCV001661860.10), dbSNP rs371653245, ClinGen allele CA7089009.
Genomic context (GRCh38, chr14:21,321,369, plus strand): 5'-TGAGTTGCAAGTATCACACGCAGAGACCACATTGGAACTAGAAAAGACCAGGGACATGCT[T>C]ATTCTGCAGCGCAAAATCAACGTGTGTTATCAGGTGCAAGGAAAGATGGTACAGGAAGGG-3'
Protein context (NP_065099.3, residues 516-536): TLELEKTRDM[Leu526=]ILQRKINVCY

ClinVar aggregate classification (germline): Likely benign. Review status: criteria provided, multiple submitters, no conflicts (2 of 4 stars). 3 submissions from 3 submitters: Likely benign (3). Last evaluated 2026-09-23.

Conditions:
Cone-rod dystrophy 13 (CORD13). Identifiers: Orphanet 1872, MedGen C2750720, MONDO:0011987, OMIM 608194.
Leber congenital amaurosis 6 (LCA6). Identifiers: Orphanet 65, MedGen C1854260, MONDO:0013446, OMIM 613826.
RPGRIP1-related disorder. Also called: RPGRIP1-related condition.

Allele frequency attached by ClinVar (database versions not stated): gnomAD 0.00002; gnomAD exomes 0.00002; TOPMed 0.00002; ESP Exome Variant Server 0.00008.
gnomAD v4.1: 42 of 1,612,648 alleles (0.0026%); highest among the groups gnomAD compares: Non-Finnish European, 0.0034%; no homozygotes.

Submissions (3):

PreventionGenetics, part of Exact Sciences
Classification: Likely benign for RPGRIP1-related condition. Last evaluated: 2026-09-23. Review status: criteria provided, single submitter. Criteria: ACMG Guidelines, 2015. Collection method: clinical testing. Allele origin: germline.
Comment: This variant is classified as likely benign based on ACMG/AMP sequence variant interpretation guidelines (Richards et al. 2015 PMID: 25741868, with internal and published modifications).

Labcorp Genetics (formerly Invitae), Labcorp
Classification: Likely benign for Leber congenital amaurosis 6; Cone-rod dystrophy 13. Last evaluated: 2025-01-15. Review status: criteria provided, single submitter. Criteria: Invitae Variant Classification Sherloc (09022015). Collection method: clinical testing. Allele origin: germline.

Blueprint Genetics
Classification: Likely benign. Last evaluated: 2021-12-14. Review status: criteria provided, single submitter. Criteria: ACMG Guidelines, 2015. Collection method: clinical testing. Allele origin: germline.